The following is an entry in ClinVar:

ClinVar aggregate classification (germline): Uncertain significance (1 of 4 stars; one submission).

Allele frequency attached by ClinVar (database versions not stated): gnomAD exomes below 0.00001; TOPMed 0.00001.
gnomAD v4.1: 1 of 1,577,632 alleles (0.000063%); highest among the groups gnomAD compares: Non-Finnish European, 0.000086%; no homozygotes.

Submission:

Labcorp Genetics (formerly Invitae), Labcorp
Classification: Uncertain significance. Last evaluated: 2025-03-13. Review status: criteria provided, single submitter. Criteria: Invitae Variant Classification Sherloc (09022015). Collection method: clinical testing. Allele origin: germline.
Comment: This sequence change replaces leucine, which is neutral and non-polar, with proline, which is neutral and non-polar, at codon 221 of the ASAH1 protein (p.Leu221Pro). This variant is not present in population databases (gnomAD no frequency). This variant has not been reported in the literature in individuals affected with ASAH1-related conditions. ClinVar contains an entry for this variant (Variation ID: 1956644). Invitae Evidence Modeling of protein sequence and biophysical properties (such as structural, functional, and spatial information, amino acid conservation, physicochemical variation, residue mobility, and thermodynamic stability) indicates that this missense variant is expected to disrupt ASAH1 protein function with a positive predictive value of 80%. In summary, the available evidence is currently insufficient to determine the role of this variant in disease. Therefore, it has been classified as a Variant of Uncertain Significance.

NM_177924.5(ASAH1):c.662T>C (p.Leu221Pro)

Gene: ASAH1 (N-acylsphingosine amidohydrolase 1; minus strand). Cytogenetic location: 8p22.
Variant type: single nucleotide variant.
Coding change: c.662T>C on transcript NM_177924.5 (MANE Select); coding-DNA position 662, T replaced by C.
Protein change: p.Leu221Pro; replaces leucine 221 with proline.
Molecular consequence: missense variant.
Genome position (GRCh38, 1-based): chr8:18,061,727, A>G on the plus strand (T>C on the coding strand, the complement: ASAH1 is on the minus strand). VCF-style: chr8-18061727-A-G. GRCh37 (hg19) VCF-style: chr8-17919236-A-G.
Other names: c.644T>C, p.Leu215Pro (NM_001127505.3); c.467T>C, p.Leu156Pro (NM_001363743.2); c.710T>C, p.Leu237Pro (NM_004315.6); short protein forms L156P, L215P, L237P, L221P.
Identifiers: ClinVar variation 1956644 (VCV001956644.5), dbSNP rs1368529591, ClinGen allele CA370429694.